The following is an entry in ClinVar:

ClinVar aggregate classification (germline): Pathogenic/Likely pathogenic. Review status: criteria provided, multiple submitters, no conflicts (2 of 4 stars). 11 submissions from 10 submitters: Pathogenic (7); Likely pathogenic (1). 3 of the submissions do not count toward it. Last evaluated 2025-12-30.

Conditions:
ATP6V1B1-related disorder. Also called: ATP6V1B1-related condition.
Nephrocalcinosis. Also called: Hypercalcemic nephropathy. Identifiers: MedGen C0027709, MONDO:0001567, HP:0000121.
Kidney stone. Also called: Nephrolithiasis. Identifiers: MedGen C0392525, MONDO:0008171, HP:0000787.
Distal renal tubular acidosis. Identifiers: Orphanet 18, MedGen C1704380, MONDO:0015827, HP:0008341.
Renal tubular acidosis with progressive nerve deafness. Also called: Distal Renal Tubular Acidosis with Progressive Sensorineural Deafness; RENAL TUBULAR ACIDOSIS, AUTOSOMAL RECESSIVE, WITH PROGRESSIVE NERVE DEAFNESS; RTA WITH PROGRESSIVE NERVE DEAFNESS; renal tubular acidosis, distal, 2, with progressive sensorineural hearing loss. Identifiers: MedGen C0403554, MONDO:0009968, OMIM 267300.

Allele frequency attached by ClinVar (database versions not stated): gnomAD exomes 0.00001 and below 0.00001.
gnomAD v4.1: 9 of 1,614,178 alleles (0.00056%); highest among the groups gnomAD compares: Admixed American, 0.0017%; no homozygotes.

Submissions (11):

Natera, Inc.
Classification: Pathogenic for Renal tubular acidosis with progressive nerve deafness. Last evaluated: 2025-12-30. Review status: criteria provided, single submitter. Criteria: Natera Variant Classification Schema (03/2026). Collection method: clinical testing. Allele origin: germline.
Comment: The c.242T>C variant in ATP6V1B1 is a missense variant predicted to cause substitution of leucine to proline at amino acid 81. This variant is rare in the general population with a frequency below the threshold expected for the associated phenotype(s). This variant has been observed in one or more individuals affected with the associated recessive disease, as either homozygous or compound heterozygous with a second variant (PMID: 28233610). Computational prediction algorithms indicate this variant is likely to affect gene or protein function. Given the available evidence, this variant is classified as Pathogenic.

Myriad Genetics, Inc.
Classification: Likely pathogenic for Renal tubular acidosis with progressive nerve deafness. Last evaluated: 2025-06-19. Review status: criteria provided, single submitter. Criteria: Myriad Autosomal Dominant, Autosomal Recessive and X-Linked Classification Criteria (2023). Collection method: clinical testing. Allele origin: unknown.
Comment: NM_001692.3(ATP6V1B1):c.242T>C(L81P) is a missense variant classified as likely pathogenic in the context of distal renal tubular acidosis with deafness, ATP6V1B1-related. L81P has been observed in cases with relevant disease (PMID: 9916796, 12579397, 20805693, 19639346, 22509993). Relevant functional assessments of this variant are available in the literature (PMID: 18368028, 16769747). L81P has been observed in referenced population frequency databases. In summary, NM_001692.3(ATP6V1B1):c.242T>C(L81P) is a missense variant that has been observed more frequently in cases with the relevant disease than in healthy populations. Please note: this variant was assessed in the context of healthy population screening.

Blueprint Genetics
Classification: Pathogenic for ATP6V1B1-related disorders. Last evaluated: 2024-09-24. Review status: criteria provided, single submitter. Criteria: ACMG Guidelines, 2015. Collection method: clinical testing. Allele origin: germline. Affected: yes. Observed: 5 variant alleles.

GeneDx
Classification: Pathogenic. Last evaluated: 2024-08-05. Review status: criteria provided, single submitter. Criteria: GeneDx Variant Classification Process June 2021. Collection method: clinical testing. Allele origin: germline. Affected: yes.
Comment: Published functional studies demonstrate this variant impairs H+ ATPase mediated proton secretion and trafficking (PMID: 16769747, 18368028); Not observed at significant frequency in large population cohorts (gnomAD); In silico analysis supports that this missense variant has a deleterious effect on protein structure/function; This variant is associated with the following publications: (PMID: 19639346, 16769747, 18368028, 28803436, 21614596, 28893421, 29310826, 17216496, 31959358, 12579397, 18386070, 35052694, 9916796, 12414817, 28005240, 28233610, 22509993)

Labcorp Genetics (formerly Invitae), Labcorp
Classification: Pathogenic. Last evaluated: 2023-10-04. Review status: criteria provided, single submitter. Criteria: Invitae Variant Classification Sherloc (09022015). Collection method: clinical testing. Allele origin: germline.
Comment: This sequence change replaces leucine, which is neutral and non-polar, with proline, which is neutral and non-polar, at codon 81 of the ATP6V1B1 protein (p.Leu81Pro). This variant is present in population databases (rs121964880, gnomAD 0.003%). This missense change has been observed in individuals with renal tubular acidosis (PMID: 9916796, 12414817, 28233610). ClinVar contains an entry for this variant (Variation ID: 12228). Advanced modeling of protein sequence and biophysical properties (such as structural, functional, and spatial information, amino acid conservation, physicochemical variation, residue mobility, and thermodynamic stability) performed at Invitae indicates that this missense variant is expected to disrupt ATP6V1B1 protein function. Experimental studies have shown that this missense change affects ATP6V1B1 function (PMID: 16769747, 18368028). For these reasons, this variant has been classified as Pathogenic.

Revvity Omics, Revvity
Classification: Pathogenic for Renal tubular acidosis with progressive nerve deafness. Last evaluated: 2022-04-01. Review status: criteria provided, single submitter. Criteria: ACMG Guidelines, 2015. Collection method: clinical testing. Allele origin: germline.

Women's Health and Genetics/Laboratory Corporation of America, LabCorp
Classification: Pathogenic for Renal tubular acidosis with progressive nerve deafness. Last evaluated: 2021-11-07. Review status: criteria provided, single submitter. Criteria: LabCorp Variant Classification Summary - May 2015. Collection method: clinical testing. Allele origin: germline.
Comment: Variant summary: ATP6V1B1 c.242T>C (p.Leu81Pro) results in a non-conservative amino acid change located in the ATPase, F1/V1/A1 complex, alpha/beta subunit, N-terminal domain (IPR004100) of the encoded protein sequence. Five of five in-silico tools predict a damaging effect of the variant on protein function. The variant allele was found at a frequency of 4e-06 in 250636 control chromosomes. c.242T>C has been reported in the literature as homozygous and compound heterozygous genotypes in multiple individuals affected with phenotypes of Renal Tubular Acidosis With Progressive Nerve Deafness (example, Jobst-Schwan_2020, Stover_2011, Palazzo_2017). These data indicate that the variant is very likely to be associated with disease. At least one publication reports experimental evidence evaluating an impact on protein function. The most pronounced variant effect results in lack of B1E subunit interaction, failed V-ATPase assembly, and consequent loss of function as disease-causing mechanisms (Fuster_2008). Two clinical diagnostic laboratories have submitted clinical-significance assessments for this variant to ClinVar after 2014 without evidence for independent evaluation. All laboratories classified the variant as pathogenic/likely pathogenic. Based on the evidence outlined above, the variant was classified as pathogenic.

Fulgent Genetics
Classification: Pathogenic for Renal tubular acidosis with progressive nerve deafness. Last evaluated: 2021-10-08. Review status: criteria provided, single submitter. Criteria: ACMG Guidelines, 2015. Collection method: clinical testing. Allele origin: unknown.

Yale Center for Mendelian Genomics, Yale University
Classification: Pathogenic for Distal renal tubular acidosis. Last evaluated: 2019-10-22. Review status: no assertion criteria provided. Collection method: literature only. Allele origin: germline. Affected: yes. Observed: 1 homozygote. Study: Yale Center for Mendelian Genomics. Not counted in ClinVar's aggregate classification.

Yale Center for Mendelian Genomics, Yale University
Classification: Likely pathogenic for Nephrolithiasis; Nephrocalcinosis. Last evaluated: 2017-09-08. Review status: no assertion criteria provided. Collection method: literature only. Allele origin: germline. Affected: yes. Observed: 1 homozygote. Not counted in ClinVar's aggregate classification.

OMIM
Classification: Pathogenic for RENAL TUBULAR ACIDOSIS, DISTAL, 2, WITH PROGRESSIVE SENSORINEURAL HEARING LOSS. Last evaluated: 2013-03-01. Review status: no assertion criteria provided. Collection method: literature only. Allele origin: germline. Not counted in ClinVar's aggregate classification.

Literature cited by the submitters: PubMed 28233610 (cited by 3 submitters); PubMed 12579397 (cited by Myriad Genetics, Inc.); PubMed 16769747 (cited by Myriad Genetics, Inc. and Labcorp Genetics (formerly Invitae), Labcorp); PubMed 18368028 (cited by 3 submitters); PubMed 19639346 (cited by Myriad Genetics, Inc.); PubMed 20805693 (cited by Myriad Genetics, Inc.); PubMed 22509993 (cited by Myriad Genetics, Inc. and OMIM); PubMed 9916796 (cited by 3 submitters); PubMed 12414817 (cited by Labcorp Genetics (formerly Invitae), Labcorp and Women's Health and Genetics/Laboratory Corporation of America, LabCorp); PubMed 31959358 (cited by Women's Health and Genetics/Laboratory Corporation of America, LabCorp and Yale Center for Mendelian Genomics, Yale University); PubMed 28893421 (cited by Yale Center for Mendelian Genomics, Yale University).

NM_001692.4(ATP6V1B1):c.242T>C (p.Leu81Pro)

Gene: ATP6V1B1 (ATPase H+ transporting V1 subunit B1; plus strand). Cytogenetic location: 2p13.3.
Variant type: single nucleotide variant.
Coding change: c.242T>C on transcript NM_001692.4 (MANE Select); coding-DNA position 242, T replaced by C.
Protein change: p.Leu81Pro; replaces leucine 81 with proline.
Molecular consequence: missense variant.
Genome position (GRCh38, 1-based): chr2:70,958,113, T>C. VCF-style: chr2-70958113-T-C. GRCh37 (hg19) VCF-style: chr2-71185243-T-C.
Other names: short protein forms L81P.
Identifiers: ClinVar variation 12228 (VCV000012228.22), dbSNP rs121964880, ClinGen allele CA121985.